The following is an entry in ClinVar:

NM_018062.4(FANCL):c.17C>T (p.Ala6Val)

Gene: FANCL (FA complementation group L; minus strand). Cytogenetic location: 2p16.1.
Variant type: single nucleotide variant.
Coding change: c.17C>T on transcript NM_018062.4 (MANE Select); coding-DNA position 17, C replaced by T.
Protein change: p.Ala6Val; replaces alanine 6 with valine.
Molecular consequence: missense variant.
Genome position (GRCh38, 1-based): chr2:58,241,297, G>A on the plus strand (C>T on the coding strand, the complement: FANCL is on the minus strand). VCF-style: chr2-58241297-G-A. GRCh37 (hg19) VCF-style: chr2-58468432-G-A.
Other names: c.17C>T, p.Ala6Val (NM_001114636.2, NM_001374615.1, NM_001410792.1); short protein forms A6V.
Identifiers: ClinVar variation 3277676 (VCV003277676.2).

ClinVar aggregate classification (germline): Uncertain significance. Review status: criteria provided, multiple submitters, no conflicts (2 of 4 stars). 2 submissions from 2 submitters: Uncertain significance (2). Last evaluated 2025-10-18.

Conditions:
Inborn genetic diseases. Identifiers: MedGen C0950123, MeSH D030342.
Fanconi anemia (FA). Also called: Fanconi's anemia. Identifiers: Orphanet 84, MedGen C0015625, MeSH D005199, MONDO:0019391.

gnomAD v4.1: 6 of 1,614,194 alleles (0.00037%); highest among the groups gnomAD compares: East Asian, 0.0089%; no homozygotes.

Submissions (2):

Labcorp Genetics (formerly Invitae), Labcorp
Classification: Uncertain significance for Fanconi anemia. Last evaluated: 2025-10-18. Review status: criteria provided, single submitter. Criteria: Invitae Variant Classification Sherloc (09022015). Collection method: clinical testing. Allele origin: germline.
Comment: This sequence change replaces alanine, which is neutral and non-polar, with valine, which is neutral and non-polar, at codon 6 of the FANCL protein (p.Ala6Val). This variant is not present in population databases (gnomAD no frequency). This variant has not been reported in the literature in individuals affected with FANCL-related conditions. ClinVar contains an entry for this variant (Variation ID: 3277676). An algorithm developed to predict the effect of missense changes on protein structure and function outputs the following: PolyPhen-2: "Benign". The valine amino acid residue is found in multiple mammalian species, which suggests that this missense change does not adversely affect protein function. In summary, the available evidence is currently insufficient to determine the role of this variant in disease. Therefore, it has been classified as a Variant of Uncertain Significance.

Ambry Genetics
Classification: Uncertain significance for Inborn genetic diseases. Last evaluated: 2024-05-12. Review status: criteria provided, single submitter. Criteria: Ambry Variant Classification Scheme 2023. Collection method: clinical testing. Allele origin: germline.